The following is an entry in ClinVar:

ClinVar aggregate classification (germline): Uncertain significance (1 of 4 stars; one submission).

Conditions:
Hereditary cancer-predisposing syndrome. Also called: Neoplastic Syndromes, Hereditary; Hereditary Cancer Syndrome; Tumor predisposition; Hereditary neoplastic syndrome. Identifiers: Orphanet 140162, MedGen C0027672, MeSH D009386, MONDO:0015356.

Submission:

Ambry Genetics
Classification: Uncertain significance for Hereditary cancer-predisposing syndrome. Last evaluated: 2022-12-29. Review status: criteria provided, single submitter. Criteria: Ambry Variant Classification Scheme 2023. Collection method: clinical testing. Allele origin: germline.
Comment: The c.549_572dup24 variant (also known as p.G184_T191dup), located in coding exon 3 of the TMEM127 gene, results from an in-frame duplication of 24 nucleotides at nucleotide positions 549 to 572. This results in the duplication of 8 extra residues (GGASILAT) between codons 184 and 191. Since supporting evidence is limited at this time, the clinical significance of this alteration remains unclear.

NM_017849.4(TMEM127):c.549_572dup (p.Thr191_Ala192insGlyGlyAlaSerIleLeuAlaThr)

Gene: TMEM127 (transmembrane protein 127; minus strand). Cytogenetic location: 2q11.2.
Variant type: Duplication.
Coding change: c.549_572dup on transcript NM_017849.4 (MANE Select); coding-DNA positions 549 to 572, 24 bases duplicated (TGGTGGAGCCTCAATCCTGGCCAC).
Protein change: p.Thr191_Ala192insGlyGlyAlaSerIleLeuAlaThr.
Molecular consequence: inframe insertion. On other transcripts: inframe indel (1).
Genome position (GRCh38, 1-based): chr2:96,253,953-96,253,976, GTGGCCAGGATTGAGGCTCCACCA duplicated on the plus strand (TGGTGGAGCCTCAATCCTGGCCAC on the coding strand, the reverse complement: TMEM127 is on the minus strand); duplicating any 24 consecutive bases within chr2:96,253,953-96,253,977 gives the same sequence; the c. name uses the placement nearest the transcript's 3' end. VCF-style (leftmost placement, unchanged base first): chr2-96253952-C-CGTGGCCAGGATTGAGGCTCCACCA. GRCh37 (hg19) VCF-style: chr2-96919690-C-CGTGGCCAGGATTGAGGCTCCACCA.
Other names: c.549_572dup, p.Thr191_Ala192insGlyGlyAlaSerIleLeuAlaThr (NM_001193304.3); c.297_320dup, p.Thr107_Ala108insGlyGlyAlaSerIleLeuAlaThr (NM_001407282.1, NM_001407283.1); c.549_572dupTGGTGGAGCCTCAATCCTGGCCAC (NM_017849.3).
Identifiers: ClinVar variation 2448380 (VCV002448380.2), dbSNP rs2467263362, ClinGen allele CA2580068313.